The following is an entry in ClinVar:

ClinVar aggregate classification (germline): Pathogenic (1 of 4 stars; one submission).

Conditions:
Intellectual developmental disorder, autosomal recessive 69 (NEDMCB). Also called: NEURODEVELOPMENTAL DISORDER WITH PROGRESSIVE MOVEMENT ABNORMALITIES, COGNITIVE DECLINE, AND BRAIN ABNORMALITIES. Identifiers: Orphanet 699835, MedGen C5193067, MONDO:0032715, OMIM 618383.

Submission:

Women's Health and Genetics/Laboratory Corporation of America, LabCorp
Classification: Pathogenic for Intellectual developmental disorder, autosomal recessive 69. Last evaluated: 2024-06-21. Review status: criteria provided, single submitter. Criteria: LabCorp Variant Classification Summary - May 2015. Collection method: clinical testing. Allele origin: germline.
Comment: Variant summary: ZBTB11 c.1508dupA (p.Tyr503X) results in a premature termination codon, predicted to cause a truncation of the encoded protein or absence of the protein due to nonsense mediated decay, which are commonly known mechanisms for disease. The variant was absent in 251452 control chromosomes (gnomAD). To our knowledge, no occurrence of c.1508dupA in individuals affected with Intellectual Developmental Disorder, Autosomal Recessive 69 and no experimental evidence demonstrating its impact on protein function have been reported. No submitters have cited clinical-significance assessments for this variant to ClinVar. Based on the evidence outlined above, the variant was classified as pathogenic.

NM_014415.4(ZBTB11):c.1508dup (p.Tyr503Ter)

Gene: ZBTB11 (zinc finger and BTB domain containing 11; minus strand). Cytogenetic location: 3q12.3.
Variant type: Duplication.
Coding change: c.1508dup on transcript NM_014415.4 (MANE Select); coding-DNA position 1508, one base duplicated (A; older notation c.1508dupA).
Protein change: p.Tyr503Ter; replaces tyrosine 503 with a stop codon.
Molecular consequence: nonsense.
Genome position (GRCh38, 1-based): chr3:101,665,079, T duplicated on the plus strand (A on the coding strand, the reverse complement: ZBTB11 is on the minus strand). VCF-style (leftmost placement, unchanged base first): chr3-101665078-A-AT. GRCh37 (hg19) VCF-style: chr3-101383922-A-AT.
Other names: c.1508dupA (NM_014415.4); short protein forms Y503*.
Identifiers: ClinVar variation 3339890 (VCV003339890.1).